The following is an entry in ClinVar:

ClinVar aggregate classification (germline): Likely benign. Review status: criteria provided, single submitter (1 of 4 stars). 2 submissions from 2 submitters: Likely benign (1). 1 of the submissions does not count toward it. Last evaluated 2024-01-24.

Conditions:
SPG11-related disorder. Also called: SPG11-related condition.
Hereditary spastic paraplegia 11. Also called: Spastic Paraplegia 11; Spastic paraplegia, mental retardation and thin corpus callosum; Nakamura Osame syndrome; Autosomal recessive hereditary spastic paraplegia, mental impairment, and thin corpus callosum; SPASTIC PARAPLEGIA, AUTOSOMAL RECESSIVE, COMPLICATED, WITH THIN CORPUS CALLOSUM; SPASTIC PARAPLEGIA, AUTOSOMAL RECESSIVE, WITH MENTAL IMPAIRMENT AND THIN CORPUS CALLOSUM. Identifiers: Orphanet 2822, MedGen C1858479, MONDO:0011445, OMIM 604360.

Allele frequency attached by ClinVar (database versions not stated): TOPMed below 0.00001; ExAC 0.00001; gnomAD exomes 0.00001.
gnomAD v4.1: 20 of 1,614,102 alleles (0.0012%); highest among the groups gnomAD compares: Non-Finnish European, 0.0016%; no homozygotes.

Submissions (2):

Labcorp Genetics (formerly Invitae), Labcorp
Classification: Likely benign for Hereditary spastic paraplegia 11. Last evaluated: 2024-01-24. Review status: criteria provided, single submitter. Criteria: Invitae Variant Classification Sherloc (09022015). Collection method: clinical testing. Allele origin: germline.

PreventionGenetics, part of Exact Sciences
Classification: Likely benign for SPG11-related condition. Last evaluated: 2021-11-02. Review status: no assertion criteria provided. Collection method: clinical testing. Allele origin: germline. Not counted in ClinVar's aggregate classification.
Comment: This variant is classified as likely benign based on ACMG/AMP sequence variant interpretation guidelines (Richards et al. 2015 PMID: 25741868, with internal and published modifications).

NM_025137.4(SPG11):c.894T>C (p.Cys298=)

Gene: SPG11 (SPG11 vesicle trafficking associated, spatacsin; minus strand). Cytogenetic location: 15q21.1.
Variant type: single nucleotide variant.
Coding change: c.894T>C on transcript NM_025137.4 (MANE Select); coding-DNA position 894, T replaced by C.
Protein change: p.Cys298=; no amino-acid change (cysteine 298 retained).
Molecular consequence: synonymous variant.
Genome position (GRCh38, 1-based): chr15:44,652,242, A>G on the plus strand (T>C on the coding strand, the complement: SPG11 is on the minus strand). VCF-style: chr15-44652242-A-G. GRCh37 (hg19) VCF-style: chr15-44944440-A-G.
Other names: c.894T>C (NM_025137.3); c.894T>C, p.Cys298= (NM_001160227.2, NM_001411132.1).
Identifiers: ClinVar variation 2866258 (VCV002866258.5), dbSNP rs750054753, ClinGen allele CA7535679.
Genomic context (GRCh38, chr15:44,652,242, plus strand): 5'-AGGATCATCTTCATCTACGCCCTTAGGTCCTTGAATAGGAAGATCTTCTAGTATTCTTTC[A>G]CACAGTAGGTGTCCTGGGTGTTGCCTACATTTAAAAATAATGATAGACATATGAAAAAAT-3'
Protein context (NP_079413.3, residues 288-308): YFRQHPGHLL[Cys298=]ERILEDLPIQ